The following is an entry in ClinVar:

NM_005629.4(SLC6A8):c.913-17C>G

Gene: SLC6A8 (solute carrier family 6 member 8; plus strand). Cytogenetic location: Xq28.
Variant type: single nucleotide variant.
Coding change: c.913-17C>G on transcript NM_005629.4 (MANE Select); 17 bases into the intron before coding-DNA position 913, C replaced by G.
Molecular consequence: intron variant.
Genome position (GRCh38, 1-based): chrX:153,693,246, C>G. VCF-style: chrX-153693246-C-G. GRCh37 (hg19) VCF-style: chrX-152958701-C-G.
Other names: c.913-17C>G (NM_001142805.2); c.568-17C>G (NM_001142806.1).
Identifiers: ClinVar variation 391784 (VCV000391784.1), dbSNP rs1057524229, ClinGen allele CA16609141.
Genomic context (GRCh38, chrX:153,693,246, plus strand): 5'-GGTGGAGAGGCTGCAGCAGGGCGCTGCGGGGGAGCCCTGCAGGCCCCTCATGCCTGCGCT[C>G]TCCGGCCCTTCTCTAGGTGTGGATAGATGCGGGGACCCAGATTTTCTTTTCTTACGCCAT-3'

ClinVar aggregate classification (germline): Likely benign (1 of 4 stars; one submission).

Submission:

GeneDx
Classification: Likely benign. Last evaluated: 2016-12-19. Review status: criteria provided, single submitter. Criteria: GeneDx Variant Classification (06012015). Collection method: clinical testing. Allele origin: germline. Affected: yes.
Comment: This variant is considered likely benign or benign based on one or more of the following criteria: it is a conservative change, it occurs at a poorly conserved position in the protein, it is predicted to be benign by multiple in silico algorithms, and/or has population frequency not consistent with disease.